The following is an entry in ClinVar:

ClinVar aggregate classification (germline): Benign. Review status: criteria provided, multiple submitters, no conflicts (2 of 4 stars). 2 submissions from 2 submitters: Benign (2). Last evaluated 2017-04-27.

Conditions:
Bartsocas-Papas syndrome 1. Also called: PTERYGIUM, POPLITEAL, LETHAL TYPE; MULTIPLE PTERYGIUM SYNDROME, ASLAN TYPE; Bartsocas-Papas syndrome. Identifiers: Orphanet 1234, MedGen C1849718, MONDO:0009901, OMIM 263650.

Allele frequency attached by ClinVar (database versions not stated): 1000 Genomes Project 0.00280; 1000 Genomes Project 30x 0.00297; gnomAD 0.00478 and 0.00482; TOPMed 0.00510.

Submissions (2):

Illumina Laboratory Services, Illumina
Classification: Benign for Bartsocas-Papas syndrome 1. Last evaluated: 2017-04-27. Review status: criteria provided, single submitter. Criteria: ICSL Variant Classification Criteria 13 December 2019. Collection method: clinical testing. Allele origin: germline.
Comment: This variant was observed as part of a predisposition screen in an ostensibly healthy population. A literature search was performed for the gene, cDNA change, and amino acid change (where applicable). No publications were found based on this search. Allele frequency data from public databases was too high to be consistent with this variant causing disease. Therefore, this variant is classified as benign.

Breakthrough Genomics
Classification: Benign. Review status: criteria provided, single submitter. Criteria: ACMG Guidelines, 2015. Collection method: not provided. Allele origin: germline. Inheritance: Autosomal recessive inheritance. Affected: yes.

NM_020639.3(RIPK4):c.*1025G>T

Gene: RIPK4 (receptor interacting serine/threonine kinase 4; minus strand). Cytogenetic location: 21q22.3.
Variant type: single nucleotide variant.
Coding change: c.*1025G>T on transcript NM_020639.3 (MANE Select); 1025 bases downstream of the stop codon, G replaced by T.
Molecular consequence: 3 prime UTR variant.
Genome position (GRCh38, 1-based): chr21:41,739,813, C>A on the plus strand (G>T on the coding strand, the complement: RIPK4 is on the minus strand). VCF-style: chr21-41739813-C-A. GRCh37 (hg19) VCF-style: chr21-43159973-C-A.
Identifiers: ClinVar variation 895208 (VCV000895208.5), dbSNP rs73216989, ClinGen allele CA321452538.
Genomic context (GRCh38, chr21:41,739,813, plus strand): 5'-GTGCGGAGGCACGTCTGCAAAGCAGGTCAGAAACACTCCCCCCATACCCCAAAACACTAT[C>A]CCTATCCCAAATCACCTAACAAAAATGAGAGCTGGGAAGGGCGCAGGTGAGCAGTGCATC-3'